The following is an entry in ClinVar:

ClinVar aggregate classification (germline): Likely benign (1 of 4 stars; one submission).

Allele frequency attached by ClinVar (database versions not stated): gnomAD exomes 0.00249.

Submission:

CeGaT Center for Human Genetics Tuebingen
Classification: Likely benign. Last evaluated: 2023-08-01. Review status: criteria provided, single submitter. Criteria: CeGaT Center For Human Genetics Tuebingen Variant Classification Criteria Version 2. Collection method: clinical testing. Allele origin: germline. Affected: yes. Observed: 2 variant alleles.
Comment: MUC4: BP4, BS2

NM_018406.7(MUC4):c.10127G>A (p.Arg3376His)

Gene: MUC4 (mucin 4, cell surface associated). Cytogenetic location: 3q29.
Variant type: single nucleotide variant.
Coding change: c.10127G>A on transcript NM_018406.7 (MANE Select); coding-DNA position 10127, G replaced by A.
Protein change: p.Arg3376His; replaces arginine 3376 with histidine.
Molecular consequence: missense variant. On other transcripts: genic upstream transcript variant (2).
Genome position (GRCh38, 1-based): chr3:195,781,453, C>T on the plus strand (G>A on the coding strand, the complement: MUC4 is on the minus strand). VCF-style: chr3-195781453-C-T. GRCh37 (hg19) VCF-style: chr3-195508324-C-T.
Other names: c.14897C>A, p.Pro4966His (NM_001322468.1); c.83-7148G>A (NM_138297.5); c.83-2998G>A (NM_004532.6); short protein forms P4966H, R3376H.
Identifiers: ClinVar variation 2654431 (VCV002654431.24), dbSNP rs425562, ClinGen allele CA2770444.